The following is an entry in ClinVar:

ClinVar aggregate classification (germline): Likely benign (1 of 4 stars; one submission).

gnomAD v4.1: 34 of 1,279,198 alleles (0.0027%); highest among the groups gnomAD compares: Middle Eastern, 0.048%; no homozygotes.

Submission:

CeGaT Center for Human Genetics Tuebingen
Classification: Likely benign. Last evaluated: 2024-09-01. Review status: criteria provided, single submitter. Criteria: CeGaT Center For Human Genetics Tuebingen Variant Classification Criteria Version 2. Collection method: clinical testing. Allele origin: germline. Affected: yes. Observed: 2 variant alleles.
Comment: CTBP1: BP4

NM_001012614.2(CTBP1):c.1273G>A (p.Ala425Thr)

Genes: CTBP1 (C-terminal binding protein 1; minus strand), CTBP1-AS (CTBP1 antisense RNA; plus strand). Cytogenetic location: 4p16.3.
Variant type: single nucleotide variant.
Coding change: c.1273G>A on transcript NM_001012614.2 (MANE Select); coding-DNA position 1273, G replaced by A.
Protein change: p.Ala425Thr; replaces alanine 425 with threonine.
Molecular consequence: missense variant. On other transcripts: non-coding transcript variant (1).
Genome position (GRCh38, 1-based): chr4:1,212,257, C>T on the plus strand (G>A on the coding strand, the complement: CTBP1 is on the minus strand). VCF-style: chr4-1212257-C-T. GRCh37 (hg19) VCF-style: chr4-1206045-C-T.
Other names: c.1306G>A, p.Ala436Thr (NM_001328.3); c.1309G>A, p.Ala437Thr (NM_001377186.1); c.1276G>A, p.Ala426Thr (NM_001377187.1, NM_001377188.1, NM_001377189.1 and 1 more transcripts); c.1273G>A, p.Ala425Thr (NM_001377191.1, NM_001377192.1, NM_001377193.1); short protein forms A425T, A426T, A436T, A437T.
Identifiers: ClinVar variation 3341776 (VCV003341776.16).
Genomic context (GRCh38, chr4:1,212,257, plus strand): 5'-GGGCCCTCTGCCCAGGCGCCGAGGCTGGAGAGCTCCTCCCGGGCTACAACTGGTCACTGG[C>T]GTGGTCTCTATCCGCCTCGGGCTTGACGGTTTGGCCAGGAGAAGGGGCGTGGGGCGGGTG-3'
Protein context (NP_001012632.1, residues 415-429): TVKPEADRDH[Ala425Thr]SDQL